The following is an entry in ClinVar:

NM_000059.4(BRCA2):c.4656T>C (p.Gly1552=)

Gene: BRCA2 (BRCA2 DNA repair associated; plus strand). Cytogenetic location: 13q13.1.
Variant type: single nucleotide variant.
Coding change: c.4656T>C on transcript NM_000059.4 (MANE Select); coding-DNA position 4656, T replaced by C.
Protein change: p.Gly1552=; no amino-acid change (glycine 1552 retained).
Molecular consequence: synonymous variant.
Genome position (GRCh38, 1-based): chr13:32,339,011, T>C. VCF-style: chr13-32339011-T-C. GRCh37 (hg19) VCF-style: chr13-32913148-T-C.
Other names: 4884T/C; p.G1552G:GGT>GGC.
Identifiers: ClinVar variation 51690 (VCV000051690.43), dbSNP rs41293491, ClinGen allele CA020602.
Genomic context (GRCh38, chr13:32,339,011, plus strand): 5'-TAAAATTGCAAAGGAATCTTTGGACAAAGTGAAAAACCTTTTTGATGAAAAAGAGCAAGG[T>C]ACTAGTGAAATCACCAGTTTTAGCCATCAATGGGCAAAGACCCTAAAGTACAGAGAGGCC-3'
Protein context (NP_000050.3, residues 1542-1562): VKNLFDEKEQ[Gly1552=]TSEITSFSHQ

ClinVar aggregate classification (germline): Likely benign. Review status: reviewed by expert panel (3 of 4 stars). 18 submissions from 18 submitters: Likely benign (1). 17 of the submissions do not count toward it. Last evaluated 2017-06-29.

Conditions:
Breast and/or ovarian cancer. Identifiers: MedGen CN221562.
Breast-ovarian cancer, familial, susceptibility to, 2 (BROVCA2). Also called: BRCA2 Hereditary Breast and Ovarian Cancer. Identifiers: Orphanet 145, MedGen C2675520, MONDO:0012933, OMIM 612555. Disease mechanism: loss of function.
Fanconi anemia complementation group D1. Also called: BRCA2-Related Fanconi Anemia. Identifiers: Orphanet 319462, MedGen C1838457, MONDO:0011584, OMIM 605724.
Medulloblastoma (MDB). Also called: MEDULLOBLASTOMA PREDISPOSITION SYNDROME; Medulloblastoma, somatic. Identifiers: Orphanet 616, MedGen C0025149, MeSH D008527, MONDO:0007959, OMIM 155255, HP:0002885.
Pancreatic cancer, susceptibility to, 2. Identifiers: Orphanet 1333, MedGen C3150546, MONDO:0013235, OMIM 613347.
Glioma susceptibility 3 (GLM3). Also called: Glioblastoma 3. Identifiers: Orphanet 182067, Orphanet 360, MedGen C2751641, MONDO:0013093, OMIM 613029.
Wilms tumor 1 (WT1). Also called: Wilms tumor, somatic. Identifiers: Orphanet 654, MedGen CN033288, MONDO:0008679, OMIM 194070.
Familial cancer of breast. Also called: hereditary breast carcinoma; BREAST CANCER, FAMILIAL; Hereditary breast cancer. Identifiers: Orphanet 227535, MedGen C0346153, MONDO:0016419, OMIM 114480. Disease mechanism: loss of function.
Prostate cancer. Also called: Malignant tumor of prostate. Identifiers: Orphanet 1331, MedGen C0376358, MONDO:0008315, HP:0012125.
Hereditary cancer-predisposing syndrome. Also called: Hereditary Cancer Syndrome; Neoplastic Syndromes, Hereditary; Hereditary neoplastic syndrome; Tumor predisposition. Identifiers: Orphanet 140162, MedGen C0027672, MeSH D009386, MONDO:0015356.
Hereditary breast ovarian cancer syndrome. Also called: Hereditary breast and ovarian cancer syndrome; Breast and ovarian cancer; Hereditary breast and ovarian cancer syndrome (HBOC); BRCA1- and BRCA2-Associated Hereditary Breast and Ovarian Cancer; Hereditary breast and/or ovarian cancer syndrome; Hereditary breast and ovarian cancer. Identifiers: Orphanet 145, MedGen C0677776, MeSH D061325, MONDO:0003582. Disease mechanism: loss of function.
Malignant tumor of breast. Also called: Malignant breast neoplasm; Cancer breast. Identifiers: MedGen C0006142, MONDO:0007254. Disease mechanism: loss of function.

Allele frequency attached by ClinVar (database versions not stated): ExAC 0.00005; ESP Exome Variant Server 0.00008; gnomAD exomes 0.00005 and 0.00018; gnomAD 0.00009; TOPMed 0.00008.
gnomAD v4.1: 281 of 1,613,848 alleles (0.017%); highest among the groups gnomAD compares: Non-Finnish European, 0.022%; no homozygotes.

Submissions (18):

Evidence-based Network for the Interpretation of Germline Mutant Alleles (ENIGMA)
Classification: Likely benign for Breast-ovarian cancer, familial, susceptibility to, 2. Last evaluated: 2017-06-29. Review status: reviewed by expert panel. Criteria: ENIGMA BRCA1/2 Classification Criteria (2017-06-29). Collection method: curation. Allele origin: germline.
Comment: Synonymous substitution variant, with low bioinformatic likelihood to result in a splicing aberration (Splicing prior probability 0.02).

Labcorp Genetics (formerly Invitae), Labcorp
Classification: Benign for Hereditary breast ovarian cancer syndrome. Last evaluated: 2026-02-02. Review status: criteria provided, single submitter. Criteria: Invitae Variant Classification Sherloc (09022015). Collection method: clinical testing. Allele origin: germline. Not counted in ClinVar's aggregate classification.

Quest Diagnostics Nichols Institute San Juan Capistrano
Classification: Likely benign. Last evaluated: 2025-06-13. Review status: criteria provided, single submitter. Criteria: Quest Diagnostics criteria. Collection method: clinical testing. Allele origin: unknown. Not counted in ClinVar's aggregate classification.

Center for Genomic Medicine, Rigshospitalet, Copenhagen University Hospital
Classification: Likely benign. Last evaluated: 2025-03-04. Review status: criteria provided, single submitter. Criteria: ACMG Guidelines, 2015. Collection method: clinical testing. Allele origin: germline. Not counted in ClinVar's aggregate classification.

ARUP Laboratories, Molecular Genetics and Genomics, ARUP Laboratories
Classification: Benign. Last evaluated: 2024-12-26. Review status: criteria provided, single submitter. Criteria: ARUP Molecular Germline Variant Investigation Process 2024. Collection method: clinical testing. Allele origin: germline. Not counted in ClinVar's aggregate classification.

Blueprint Genetics
Classification: Likely benign. Last evaluated: 2024-05-14. Review status: criteria provided, single submitter. Criteria: ACMG Guidelines, 2015. Collection method: clinical testing. Allele origin: germline. Not counted in ClinVar's aggregate classification.

CHEO Genetics Diagnostic Laboratory, Children's Hospital of Eastern Ontario
Classification: Likely benign for Breast and/or ovarian cancer. Last evaluated: 2022-08-15. Review status: criteria provided, single submitter. Criteria: ACMG Guidelines, 2015. Collection method: clinical testing. Allele origin: germline. Not counted in ClinVar's aggregate classification.

Fulgent Genetics
Classification: Likely benign for Familial cancer of breast; Medulloblastoma; Familial prostate cancer; Wilms tumor 1; Fanconi anemia complementation group D1; Breast-ovarian cancer, familial, susceptibility to, 2; Glioma susceptibility 3; Pancreatic cancer, susceptibility to, 2. Last evaluated: 2021-12-08. Review status: criteria provided, single submitter. Criteria: ACMG Guidelines, 2015. Collection method: clinical testing. Allele origin: unknown. Not counted in ClinVar's aggregate classification.

Sema4
Classification: Likely benign for Hereditary cancer-predisposing syndrome. Last evaluated: 2021-11-15. Review status: criteria provided, single submitter. Criteria: Sema4 Curation Guidelines. Collection method: curation. Allele origin: germline. Not counted in ClinVar's aggregate classification.

Women's Health and Genetics/Laboratory Corporation of America, LabCorp
Classification: Likely benign. Last evaluated: 2021-07-18. Review status: criteria provided, single submitter. Criteria: LabCorp Variant Classification Summary - May 2015. Collection method: clinical testing. Allele origin: germline. Not counted in ClinVar's aggregate classification.

GeneDx
Classification: Likely benign. Last evaluated: 2021-04-05. Review status: criteria provided, single submitter. Criteria: GeneDx Variant Classification Process June 2021. Collection method: clinical testing. Allele origin: germline. Affected: yes. Not counted in ClinVar's aggregate classification.
Comment: This variant is associated with the following publications: (PMID: 15307796, 25710373, 20858050, 8665505)

PreventionGenetics, part of Exact Sciences
Classification: Likely benign. Last evaluated: 2017-02-23. Review status: criteria provided, single submitter. Criteria: ACMG Guidelines, 2015. Collection method: clinical testing. Allele origin: germline. Not counted in ClinVar's aggregate classification.

Laboratory for Molecular Medicine, Mass General Brigham Personalized Medicine
Classification: Likely benign. Last evaluated: 2016-12-02. Review status: criteria provided, single submitter. Criteria: LMM Criteria. Collection method: clinical testing. Allele origin: germline. Not counted in ClinVar's aggregate classification.
Comment: Variant identified in a genome or exome case(s) and assessed due to predicted null impact of the variant or pathogenic assertions in the literature or databases. Disclaimer: This variant has not undergone full assessment. The following are preliminary notes: This variant has not been reported in affected individuals. It is present in HGMD (classified as DM) in a publication describing a method for detecting variants. This variant is classified in ClinVar with 1 star as Benign or Likely Benign by 5 submitters: BIC, Invitae, Ambry, GeneDx, Counsyl. It is present in ExAC with a Max MAF of 0.009% (6 European alleles) and in gnomAD with a MaxMAF of 0.01% (14 European alleles).

Color Diagnostics, LLC DBA Color Health
Classification: Likely benign for Hereditary cancer-predisposing syndrome. Last evaluated: 2015-07-15. Review status: criteria provided, single submitter. Criteria: ACMG Guidelines, 2015. Collection method: clinical testing. Allele origin: germline. Not counted in ClinVar's aggregate classification.

Ambry Genetics
Classification: Likely benign for Hereditary cancer-predisposing syndrome. Last evaluated: 2014-08-11. Review status: criteria provided, single submitter. Criteria: Ambry Variant Classification Scheme 2023. Collection method: clinical testing. Allele origin: germline. Not counted in ClinVar's aggregate classification.

Counsyl
Classification: Likely benign for Breast-ovarian cancer, familial 2. Last evaluated: 2014-11-07. Review status: no assertion criteria provided. Collection method: literature only. Allele origin: unknown. Inheritance: Autosomal dominant inheritance. Not counted in ClinVar's aggregate classification.

Breast Cancer Information Core (BIC) (BRCA2)
Classification: Benign for Breast-ovarian cancer, familial 2. Last evaluated: 2002-05-29. Review status: no assertion criteria provided. Collection method: clinical testing. Allele origin: germline. Affected: yes. Observed: 2 variant alleles. Not counted in ClinVar's aggregate classification.

Department of Pathology and Laboratory Medicine, Sinai Health System
Classification: Benign for Malignant tumor of breast. Review status: no assertion criteria provided. Collection method: clinical testing. Allele origin: unknown. Affected: yes. Study: The Canadian Open Genetics Repository (COGR). Not counted in ClinVar's aggregate classification.
Comment: The p.Gly1552Gly variant has been presented 7 times in the UMD and two times in the BIC database as having no clinical significance. It is listed in dbSNP database (ID#: rs41293491) coming from a â€šÃ„Ãºclinical sourceâ€šÃ„Ã´ with an average heterozygosity of 0.000+/-0.015, therefore representing a rare variant in the population. This variant is not expected to have clinical significance because it does not alter an amino acid residue, and is not located near a splice junction. In summary, the clinical significance of this variant cannot be determined with certainty at this time, although we would lean towards a more benign role for this variant. This variant is classified as Benign.

Literature cited by the submitters: PubMed 8665505 (cited by Quest Diagnostics Nichols Institute San Juan Capistrano and Women's Health and Genetics/Laboratory Corporation of America, LabCorp); PubMed 15307796 (cited by 3 submitters); PubMed 25710373 (cited by Quest Diagnostics Nichols Institute San Juan Capistrano and Women's Health and Genetics/Laboratory Corporation of America, LabCorp); PubMed 20858050 (cited by Women's Health and Genetics/Laboratory Corporation of America, LabCorp).